The following is an entry in ClinVar:

NM_016373.4(WWOX):c.965A>G (p.His322Arg)

Gene: WWOX (WW domain containing oxidoreductase; plus strand). Cytogenetic location: 16q23.1.
Variant type: single nucleotide variant.
Coding change: c.965A>G on transcript NM_016373.4 (MANE Select); coding-DNA position 965, A replaced by G.
Protein change: p.His322Arg; replaces histidine 322 with arginine.
Molecular consequence: missense variant.
Genome position (GRCh38, 1-based): chr16:78,432,661, A>G. VCF-style: chr16-78432661-A-G. GRCh37 (hg19) VCF-style: chr16-78466558-A-G.
Other names: c.626A>G, p.His209Arg (NM_001291997.2); short protein forms H322R, H209R.
Identifiers: ClinVar variation 241108 (VCV000241108.12), dbSNP rs878855022, ClinGen allele CA10583431.

ClinVar aggregate classification (germline): Uncertain significance. Review status: criteria provided, multiple submitters, no conflicts (2 of 4 stars). 3 submissions from 3 submitters: Uncertain significance (3). Last evaluated 2024-10-18.

Conditions:
Autosomal recessive spinocerebellar ataxia 12. Also called: SPINOCEREBELLAR ATAXIA WITH MENTAL RETARDATION AND EPILEPSY. Identifiers: Orphanet 284282, MedGen C3280452, MONDO:0013687, OMIM 614322.
Developmental and epileptic encephalopathy, 1 (DEE1). Also called: INFANTILE SPASM SYNDROME, X-LINKED 1; OHTAHARA SYNDROME, X-LINKED; Epileptic encephalopathy, early infantile, 1; X-linked infantile spasms; West's syndrome; Tonic spasms with clustering, arrest of psychomotor development and hypsarrhythmia on EEG. Identifiers: MedGen C3463992, MONDO:0010632, OMIM 308350. Disease mechanism: loss of function.
Developmental and epileptic encephalopathy, 28 (DEE28). Also called: Epileptic encephalopathy, early infantile, 28. Identifiers: Orphanet 442835, MedGen C4015519, MONDO:0014533, OMIM 616211.

Allele frequency attached by ClinVar (database versions not stated): gnomAD exomes below 0.00001.
gnomAD v4.1: 1 of 1,614,188 alleles (0.000062%); highest among the groups gnomAD compares: South Asian, 0.0011%; no homozygotes.

Submissions (3):

GeneDx
Classification: Uncertain significance. Last evaluated: 2024-10-18. Review status: criteria provided, single submitter. Criteria: GeneDx Variant Classification Process June 2021. Collection method: clinical testing. Allele origin: germline. Affected: yes.
Comment: Reported in the homozygous state in a patient referred for clinical whole genome sequencing; however, clinical information was not provided (PMID: 33726816); In silico analysis supports that this missense variant has a deleterious effect on protein structure/function; Not observed at significant frequency in large population cohorts (gnomAD); This variant is associated with the following publications: (PMID: 25411445, 33726816, 27899802, 27460824)

Kids Research, The Children's Hospital at Westmead
Classification: Uncertain significance for Developmental and epileptic encephalopathy, 28. Last evaluated: 2024-09-20. Review status: criteria provided, single submitter. Criteria: ACMG Guidelines, 2015. Collection method: research. Allele origin: germline. Affected: yes.
Comment: PP3_Moderate, PM2, PM3_Supporting

Labcorp Genetics (formerly Invitae), Labcorp
Classification: Uncertain significance for Developmental and epileptic encephalopathy, 1; Autosomal recessive spinocerebellar ataxia 12. Last evaluated: 2022-09-07. Review status: criteria provided, single submitter. Criteria: Invitae Variant Classification Sherloc (09022015). Collection method: clinical testing. Allele origin: germline.
Comment: ClinVar contains an entry for this variant (Variation ID: 241108). This missense change has been observed in individual(s) with epileptic encephalopathy (Invitae). This variant is not present in population databases (gnomAD no frequency). This sequence change replaces histidine, which is basic and polar, with arginine, which is basic and polar, at codon 322 of the WWOX protein (p.His322Arg). Algorithms developed to predict the effect of missense changes on protein structure and function are either unavailable or do not agree on the potential impact of this missense change (SIFT: "Not Available"; PolyPhen-2: "Probably Damaging"; Align-GVGD: "Not Available"). In summary, the available evidence is currently insufficient to determine the role of this variant in disease. Therefore, it has been classified as a Variant of Uncertain Significance.